The following is an entry in ClinVar:

NM_000038.6(APC):c.2588dup (p.Tyr863Ter)

Gene: APC (APC regulator of Wnt signaling pathway; plus strand). Cytogenetic location: 5q22.2.
Variant type: Duplication.
Coding change: c.2588dup on transcript NM_000038.6 (MANE Select); coding-DNA position 2588, one base duplicated (A; older notation c.2588dupA).
Protein change: p.Tyr863Ter; replaces tyrosine 863 with a stop codon.
Molecular consequence: nonsense. On other transcripts: frameshift variant (20).
Genome position (GRCh38, 1-based): chr5:112,838,182, A duplicated. VCF-style (leftmost placement, unchanged base first): chr5-112838181-T-TA. GRCh37 (hg19) VCF-style: chr5-112173878-T-TA.
Other names: c.2588dup, p.Tyr863Ter (NM_001127510.3, NM_001354895.2); c.2534dup, p.Tyr845Ter (NM_001127511.3); c.2642dup, p.Tyr881Ter (NM_001354896.2); c.2618dup, p.Tyr873Ter (NM_001354897.2); c.2513dup, p.Tyr838Ter (NM_001354898.2); c.2504dup, p.Tyr835Ter (NM_001354899.2); c.2465dup, p.Tyr822Ter (NM_001354900.2); c.2411dup, p.Tyr804Ter (NM_001354901.2); and 16 more; short protein forms Y737*, Y863*, Y703*, Y873*, Y881*, Y762*, Y804*, Y845*.
Identifiers: ClinVar variation 1793449 (VCV001793449.5), dbSNP rs2533434563, ClinGen allele CA2580072645.

ClinVar aggregate classification (germline): Pathogenic. Review status: criteria provided, multiple submitters, no conflicts (2 of 4 stars). 2 submissions from 2 submitters: Pathogenic (2). Last evaluated 2023-05-19.

Conditions:
Hereditary cancer-predisposing syndrome. Also called: Tumor predisposition; Hereditary Cancer Syndrome; Neoplastic Syndromes, Hereditary; Hereditary neoplastic syndrome. Identifiers: Orphanet 140162, MedGen C0027672, MeSH D009386, MONDO:0015356.
Familial adenomatous polyposis 1 (FAP1). Also called: FAMILIAL ADENOMATOUS POLYPOSIS 1, ATTENUATED; POLYPOSIS, ADENOMATOUS INTESTINAL. Identifiers: MedGen C2713442, MONDO:0021056, OMIM 175100. Disease mechanism: loss of function.

Submissions (2):

Labcorp Genetics (formerly Invitae), Labcorp
Classification: Pathogenic for Familial adenomatous polyposis 1. Last evaluated: 2023-05-19. Review status: criteria provided, single submitter. Criteria: Invitae Variant Classification Sherloc (09022015). Collection method: clinical testing. Allele origin: germline.
Comment: For these reasons, this variant has been classified as Pathogenic. This variant disrupts a region of the APC protein in which other variant(s) (p.Tyr2645Lysfs*14) have been determined to be pathogenic (PMID: 1316610, 8381579, 9824584, 22135120, 27081525; Invitae). This suggests that this is a clinically significant region of the protein, and that variants that disrupt it are likely to be disease-causing. This variant is expected to disrupt the EB1 and HDLG binding sites, which mediate interactions with the cytoskeleton (PMID: 15311282, 17293347). While functional studies have not been performed to directly test the effect on APC protein function, this suggests that disruption of the C-terminal portion of the protein is functionally important. ClinVar contains an entry for this variant (Variation ID: 1793449). This premature translational stop signal has been observed in individual(s) with APC-related condition (PMID: 23159591). This variant is not present in population databases (gnomAD no frequency). This sequence change creates a premature translational stop signal (p.Tyr863*) in the APC gene. While this is not anticipated to result in nonsense mediated decay, it is expected to disrupt the last 1981 amino acid(s) of the APC protein.

Ambry Genetics
Classification: Pathogenic for Hereditary cancer-predisposing syndrome. Last evaluated: 2021-08-05. Review status: criteria provided, single submitter. Criteria: Ambry Variant Classification Scheme 2023. Collection method: clinical testing. Allele origin: germline.
Comment: The c.2588dupA pathogenic mutation, located in coding exon 15 of the APC gene, results from a duplication of A at nucleotide position 2588, causing a translational frameshift with a predicted alternate stop codon (p.Y863*). This alteration occurs at the 3' terminus of theAPC gene, is not expected to trigger nonsense-mediated mRNA decay, and impacts the last 1981 amino acids of the protein. However, premature stop codons are typically deleterious in nature and the impacted region is critical for protein function and a significant portion of the protein is affected (Ambry internal data). This mutation was detected in a cohort of 1591 patients referred for APC testing (Kerr SE et al. J Mol Diagn, 2013 Jan;15:31-43). This variant is considered to be rare based on population cohorts in the Genome Aggregation Database (gnomAD). Based on the supporting evidence, this alteration is interpreted as a disease-causing mutation.

Literature cited by the submitters: PubMed 1316610 (cited by Labcorp Genetics (formerly Invitae), Labcorp); PubMed 8381579 (cited by Labcorp Genetics (formerly Invitae), Labcorp); PubMed 9824584 (cited by Labcorp Genetics (formerly Invitae), Labcorp); PubMed 22135120 (cited by Labcorp Genetics (formerly Invitae), Labcorp); PubMed 27081525 (cited by Labcorp Genetics (formerly Invitae), Labcorp); PubMed 15311282 (cited by Labcorp Genetics (formerly Invitae), Labcorp); PubMed 17293347 (cited by Labcorp Genetics (formerly Invitae), Labcorp); PubMed 23159591 (cited by Labcorp Genetics (formerly Invitae), Labcorp and Ambry Genetics).